The following is an entry in ClinVar:

ClinVar aggregate classification (germline): Uncertain significance (1 of 4 stars; one submission).

Conditions:
Polyglandular autoimmune syndrome, type 1 (APS1). Also called: Autoimmune polyendocrinopathy syndrome, type I; PGA I; Autoimmune polyendocrine syndrome type 1; Autoimmune polyendocrinopathy syndrome , type I, with or without reversible metaphyseal dysplasia; AUTOIMMUNE POLYENDOCRINE SYNDROME, TYPE I, WITH OR WITHOUT REVERSIBLE METAPHYSEAL DYSPLASIA; HYPOADRENOCORTICISM WITH HYPOPARATHYROIDISM AND SUPERFICIAL MONILIASIS. Identifiers: Orphanet 3453, MedGen C0085859, MONDO:0009411, OMIM 240300.

Allele frequency attached by ClinVar (database versions not stated): gnomAD exomes below 0.00001; TOPMed below 0.00001.
gnomAD v4.1: 6 of 1,547,498 alleles (0.00039%); highest among the groups gnomAD compares: Non-Finnish European, 0.00052%; no homozygotes.

Submission:

Labcorp Genetics (formerly Invitae), Labcorp
Classification: Uncertain significance for Polyglandular autoimmune syndrome, type 1. Last evaluated: 2022-10-08. Review status: criteria provided, single submitter. Criteria: Invitae Variant Classification Sherloc (09022015). Collection method: clinical testing. Allele origin: germline.
Comment: This sequence change replaces proline, which is neutral and non-polar, with alanine, which is neutral and non-polar, at codon 492 of the AIRE protein (p.Pro492Ala). This variant is present in population databases (no rsID available, gnomAD 0.007%). This variant has not been reported in the literature in individuals affected with AIRE-related conditions. Advanced modeling of protein sequence and biophysical properties (such as structural, functional, and spatial information, amino acid conservation, physicochemical variation, residue mobility, and thermodynamic stability) performed at Invitae indicates that this missense variant is not expected to disrupt AIRE protein function. In summary, the available evidence is currently insufficient to determine the role of this variant in disease. Therefore, it has been classified as a Variant of Uncertain Significance.

NM_000383.4(AIRE):c.1474C>G (p.Pro492Ala)

Gene: AIRE (autoimmune regulator; plus strand). Cytogenetic location: 21q22.3.
Variant type: single nucleotide variant.
Coding change: c.1474C>G on transcript NM_000383.4 (MANE Select); coding-DNA position 1474, C replaced by G.
Protein change: p.Pro492Ala; replaces proline 492 with alanine.
Molecular consequence: missense variant.
Genome position (GRCh38, 1-based): chr21:44,294,474, C>G. VCF-style: chr21-44294474-C-G. GRCh37 (hg19) VCF-style: chr21-45714357-C-G.
Other names: short protein forms P492A.
Identifiers: ClinVar variation 2199385 (VCV002199385.1), dbSNP rs1211437538, ClinGen allele CA410425985.